The following is an entry in ClinVar:

ClinVar aggregate classification (germline): Uncertain significance (1 of 4 stars; one submission).

Conditions:
Autosomal recessive limb-girdle muscular dystrophy type 2J (LGMDR10). Also called: Limb-girdle muscular dystrophy, type 2J; MUSCULAR DYSTROPHY, LIMB-GIRDLE, AUTOSOMAL RECESSIVE 10. Identifiers: Orphanet 140922, MedGen C1837342, MONDO:0012127, OMIM 608807.
Dilated cardiomyopathy 1G (CMD1G). Identifiers: Orphanet 154, MedGen C1858763, MONDO:0011400, OMIM 604145.

Submission:

Labcorp Genetics (formerly Invitae), Labcorp
Classification: Uncertain significance for Dilated cardiomyopathy 1G; Autosomal recessive limb-girdle muscular dystrophy type 2J. Last evaluated: 2025-10-15. Review status: criteria provided, single submitter. Criteria: Invitae Variant Classification Sherloc (09022015). Collection method: clinical testing. Allele origin: germline.
Comment: This sequence change replaces tyrosine, which is neutral and polar, with histidine, which is basic and polar, at codon 35096 of the TTN protein (p.Tyr35096His). This variant is not present in population databases (gnomAD no frequency). This variant has not been reported in the literature in individuals affected with TTN-related conditions. Experimental studies and prediction algorithms are not available or were not evaluated, and the functional significance of this variant is currently unknown. This variant is located in the M band of TTN (PMID: 25589632). Non-truncating variants in this region may be relevant for neuromuscular disorders, but have not been definitively shown to cause cardiomyopathy (PMID: 23975875). In summary, the available evidence is currently insufficient to determine the role of this variant in disease. Therefore, it has been classified as a Variant of Uncertain Significance.

Literature cited by the submitters: PubMed 25589632; PubMed 23975875.

NM_001267550.2(TTN):c.105286T>C (p.Tyr35096His)

Genes: TTN-AS1 (TTN antisense RNA 1; plus strand), TTN (titin; minus strand). Cytogenetic location: 2q31.2.
Variant type: single nucleotide variant.
Coding change: c.105286T>C on transcript NM_001267550.2 (MANE Select); coding-DNA position 105286, T replaced by C.
Protein change: p.Tyr35096His; replaces tyrosine 35096 with histidine.
Molecular consequence: missense variant.
Genome position (GRCh38, 1-based): chr2:178,531,329, A>G on the plus strand (T>C on the coding strand, the complement: TTN is on the minus strand). VCF-style: chr2-178531329-A-G. GRCh37 (hg19) VCF-style: chr2-179396056-A-G.
Other names: c.100363T>C, p.Tyr33455His (NM_001256850.1); c.78091T>C, p.Tyr26031His (NM_003319.4); c.97582T>C, p.Tyr32528His (NM_133378.4); c.78466T>C, p.Tyr26156His (NM_133432.3); c.78667T>C, p.Tyr26223His (NM_133437.4); short protein forms Y26223H, Y26031H, Y32528H, Y33455H, Y35096H, Y26156H.
Identifiers: ClinVar variation 4788787 (VCV004788787.1).
Genomic context (GRCh38, chr2:178,531,329, plus strand): 5'-CTTCCAGTGACTTTTCTTCTAATGCAGCACTTTTCATTTCTGCAGATGCAGAGTGTTCAT[A>G]TGAGGAGAGACTTTCCCTTGTCTCCGTCATCTGTGATTTCACTTCCCTGACAGAAGACGA-3'
Protein context (NP_001254479.2, residues 35086-35106): MTETRESLSS[Tyr35096His]EHSASAEMKS